The following is an entry in ClinVar:

ClinVar aggregate classification (germline): Uncertain significance. Review status: criteria provided, multiple submitters, no conflicts (2 of 4 stars). 4 submissions from 4 submitters: Uncertain significance (4). Last evaluated 2026-05-18.

Conditions:
PCNT-related disorder. Also called: PCNT-related condition.
Microcephalic osteodysplastic primordial dwarfism type II (MOPD2). Also called: Microcephalic osteodysplastic primordial dwarfism with tooth abnormalities; MOPD II; OSTEODYSPLASTIC PRIMORDIAL DWARFISM, TYPE II. Identifiers: Orphanet 2637, MedGen C0432246, MONDO:0008872, OMIM 210720.

Allele frequency attached by ClinVar (database versions not stated): TOPMed 0.00011.
gnomAD v4.1: 202 of 1,613,478 alleles (0.013%); highest among the groups gnomAD compares: Admixed American, 0.033%; no homozygotes.

Submissions (4):

PreventionGenetics, part of Exact Sciences
Classification: Uncertain significance for PCNT-related condition. Last evaluated: 2026-05-18. Review status: criteria provided, single submitter. Criteria: ACMG Guidelines, 2015. Collection method: clinical testing. Allele origin: germline.
Comment: The PCNT c.2750C>T variant is predicted to result in the amino acid substitution p.Ala917Val. To our knowledge, this variant has not been reported in the literature. This variant is reported in 0.034% of alleles in individuals of Latino descent in gnomAD. At this time, the clinical significance of this variant is uncertain due to the absence of conclusive functional and genetic evidence.

Labcorp Genetics (formerly Invitae), Labcorp
Classification: Uncertain significance. Last evaluated: 2024-12-25. Review status: criteria provided, single submitter. Criteria: Invitae Variant Classification Sherloc (09022015). Collection method: clinical testing. Allele origin: germline.
Comment: This sequence change replaces alanine, which is neutral and non-polar, with valine, which is neutral and non-polar, at codon 917 of the PCNT protein (p.Ala917Val). This variant is present in population databases (rs763541418, gnomAD 0.03%). This variant has not been reported in the literature in individuals affected with PCNT-related conditions. ClinVar contains an entry for this variant (Variation ID: 897303). An algorithm developed to predict the effect of missense changes on protein structure and function (PolyPhen-2) suggests that this variant is likely to be disruptive. In summary, the available evidence is currently insufficient to determine the role of this variant in disease. Therefore, it has been classified as a Variant of Uncertain Significance.

Baylor Genetics
Classification: Uncertain significance for Microcephalic osteodysplastic primordial dwarfism type II. Last evaluated: 2020-04-03. Review status: criteria provided, single submitter. Criteria: ACMG Guidelines, 2015. Collection method: clinical testing. Allele origin: unknown. Affected: yes.
Comment: This variant was determined to be of uncertain significance according to ACMG Guidelines, 2015 [PMID:25741868].

Illumina Laboratory Services, Illumina
Classification: Uncertain significance for Microcephalic osteodysplastic primordial dwarfism type II. Last evaluated: 2018-01-13. Review status: criteria provided, single submitter. Criteria: ICSL Variant Classification Criteria 13 December 2019. Collection method: clinical testing. Allele origin: germline.

NM_006031.6(PCNT):c.2750C>T (p.Ala917Val)

Gene: PCNT (pericentrin; plus strand). Cytogenetic location: 21q22.3.
Variant type: single nucleotide variant.
Coding change: c.2750C>T on transcript NM_006031.6 (MANE Select); coding-DNA position 2750, C replaced by T.
Protein change: p.Ala917Val; replaces alanine 917 with valine.
Molecular consequence: missense variant.
Genome position (GRCh38, 1-based): chr21:46,366,724, C>T. VCF-style: chr21-46366724-C-T. GRCh37 (hg19) VCF-style: chr21-47786639-C-T.
Other names: c.2396C>T, p.Ala799Val (NM_001315529.2); short protein forms A799V, A917V.
Identifiers: ClinVar variation 897303 (VCV000897303.10), dbSNP rs763541418, ClinGen allele CA10079085.
Genomic context (GRCh38, chr21:46,366,724, plus strand): 5'-ATGCCCGTGAGCTGCAGCTCCTCCAGGAGAGACACCAGCAGCAGCTCCTGTCAGTGACGG[C>T]GGAGCTCGAGGCCAGACACCAGGCCGCGTTGGGCGAGCTGACAGCCTCCTTAGAGAGCAA-3'
Protein context (NP_006022.3, residues 907-927): RHQQQLLSVT[Ala917Val]ELEARHQAAL